The following is an entry in ClinVar:

NM_001009944.3(PKD1):c.7250T>C (p.Leu2417Pro)

Gene: PKD1 (polycystin 1, transient receptor potential channel interacting; minus strand). Cytogenetic location: 16p13.3.
Variant type: single nucleotide variant.
Coding change: c.7250T>C on transcript NM_001009944.3 (MANE Select); coding-DNA position 7250, T replaced by C.
Protein change: p.Leu2417Pro; replaces leucine 2417 with proline.
Molecular consequence: missense variant.
Genome position (GRCh38, 1-based): chr16:2,106,637, A>G on the plus strand (T>C on the coding strand, the complement: PKD1 is on the minus strand). VCF-style: chr16-2106637-A-G. GRCh37 (hg19) VCF-style: chr16-2156638-A-G.
Other names: c.7250T>C, p.Leu2417Pro (NM_000296.4); short protein forms L2417P.
Identifiers: ClinVar variation 3579278 (VCV003579278.3).

ClinVar aggregate classification (germline): Conflicting classifications of pathogenicity. Review status: criteria provided, conflicting classifications (1 of 4 stars). 3 submissions from 3 submitters: Likely pathogenic (1); Uncertain significance (2). Last evaluated 2026-07-07.

Conditions:
Polycystic kidney disease, adult type (PKD1). Also called: Polycystic Kidney Disease 1, Autosomal Dominant; Polycystic kidney disease 1; Polycystic kidney disease 1, severe; Polycystic Kidney, Autosomal Dominant; POLYCYSTIC KIDNEY DISEASE 1 WITH OR WITHOUT POLYCYSTIC LIVER DISEASE; POLYCYSTIC KIDNEY DISEASE, ADULT, TYPE I. Identifiers: MedGen C3149841, MONDO:0008263, OMIM 173900.

Submissions (3):

Medgenome Labs Ltd
Classification: Uncertain significance for Polycystic kidney disease, adult type. Last evaluated: 2026-07-07. Review status: criteria provided, single submitter. Criteria: ACMG Guidelines, 2015. Collection method: clinical testing. Allele origin: germline. Affected: yes.

3billion
Classification: Uncertain significance for Polycystic kidney disease, adult type. Last evaluated: 2025-08-13. Review status: criteria provided, single submitter. Criteria: ACMG Guidelines, 2015. Collection method: clinical testing. Allele origin: germline. Affected: yes.
Comment: The variant is not observed in the gnomAD v4.1.0 dataset. Predicted Consequence/Location: Missense variant In silico tool predictions suggest damaging effect of the variant on gene or gene product [REVEL: 0.81 (>=0.6, sensitivity 0.68 and specificity 0.92); 3Cnet: 0.93 (> 0.75, sensitivity 0.96 and precision 0.92)]. The same nucleotide change resulting in the same amino acid change has been previously reported to be associated with PKD1-related disorder (ClinVar ID: VCV003579278). However, the evidence of pathogenicity is insufficient at this time. Therefore, this variant is classified as VUS according to the recommendation of ACMG/AMP guideline.

Fulgent Genetics
Classification: Likely pathogenic for Polycystic kidney disease, adult type. Last evaluated: 2024-02-02. Review status: criteria provided, single submitter. Criteria: ACMG Guidelines, 2015. Collection method: clinical testing. Allele origin: germline.